The following is an entry in ClinVar:

ClinVar aggregate classification (germline): Uncertain significance. Review status: criteria provided, multiple submitters, no conflicts (2 of 4 stars). 3 submissions from 3 submitters: Uncertain significance (3). Last evaluated 2024-11-05.

Conditions:
Epidermolysis bullosa simplex 5B, with muscular dystrophy (EBS5B). Also called: Epidermolysis bullosa simplex with muscular dystrophy; EPIDERMOLYSIS BULLOSA SIMPLEX AND LIMB-GIRDLE MUSCULAR DYSTROPHY. Identifiers: Orphanet 257, MedGen C2931072, MONDO:0009181, OMIM 226670.
Epidermolysis bullosa simplex, Ogna type (EBS5A). Also called: Pidermolysis bullosa simplex 5A, Ogna type; EPIDERMOLYSIS BULLOSA SIMPLEX 5A, OGNA TYPE. Identifiers: Orphanet 79401, MedGen C0432317, MONDO:0007555, OMIM 131950.
Autosomal recessive limb-girdle muscular dystrophy type 2Q (LGMDR17). Also called: MUSCULAR DYSTROPHY, LIMB-GIRDLE, AUTOSOMAL RECESSIVE 17. Identifiers: Orphanet 254361, MedGen C3150989, MONDO:0013390, OMIM 613723.
Epidermolysis bullosa simplex 5C, with pyloric atresia (EBS5C). Also called: PLEC-Related Epidermolysis Bullosa with Pyloric Atresia; Epidermolysis bullosa simplex with pyloric atresia; PLEC1-Related Epidermolysis Bullosa with Pyloric Atresia. Identifiers: Orphanet 158684, MedGen C2677349, MONDO:0012807, OMIM 612138.
Epidermolysis bullosa simplex with nail dystrophy (EBS5D). Identifiers: MedGen C4225309, MONDO:0014661, OMIM 616487.

Allele frequency attached by ClinVar (database versions not stated): gnomAD exomes 0.00001 and 0.00003.
gnomAD v4.1: 41 of 1,600,482 alleles (0.0026%); highest among the groups gnomAD compares: Non-Finnish European, 0.0035%; no homozygotes.

Submissions (3):

Labcorp Genetics (formerly Invitae), Labcorp
Classification: Uncertain significance for Autosomal recessive limb-girdle muscular dystrophy type 2Q; Epidermolysis bullosa simplex, Ogna type; Epidermolysis bullosa simplex with nail dystrophy; Epidermolysis bullosa simplex 5C, with pyloric atresia; Epidermolysis bullosa simplex 5B, with muscular dystrophy. Last evaluated: 2024-11-05. Review status: criteria provided, single submitter. Criteria: Invitae Variant Classification Sherloc (09022015). Collection method: clinical testing. Allele origin: germline.
Comment: This sequence change replaces alanine, which is neutral and non-polar, with valine, which is neutral and non-polar, at codon 1056 of the PLEC protein (p.Ala1056Val). This variant is present in population databases (no rsID available, gnomAD 0.002%). This variant has not been reported in the literature in individuals affected with PLEC-related conditions. ClinVar contains an entry for this variant (Variation ID: 952738). Invitae Evidence Modeling of protein sequence and biophysical properties (such as structural, functional, and spatial information, amino acid conservation, physicochemical variation, residue mobility, and thermodynamic stability) indicates that this missense variant is not expected to disrupt PLEC protein function with a negative predictive value of 80%. In summary, the available evidence is currently insufficient to determine the role of this variant in disease. Therefore, it has been classified as a Variant of Uncertain Significance.

Blueprint Genetics
Classification: Uncertain significance. Last evaluated: 2024-09-09. Review status: criteria provided, single submitter. Criteria: ACMG Guidelines, 2015. Collection method: clinical testing. Allele origin: germline.

CeGaT Center for Human Genetics Tuebingen
Classification: Uncertain significance. Last evaluated: 2023-05-01. Review status: criteria provided, single submitter. Criteria: CeGaT Center For Human Genetics Tuebingen Variant Classification Criteria Version 2. Collection method: clinical testing. Allele origin: germline. Affected: yes. Observed: 1 variant allele.
Comment: PLEC: PM2, BP1

NM_201384.3(PLEC):c.3086C>T (p.Ala1029Val)

Gene: PLEC (plectin; minus strand). Cytogenetic location: 8q24.3.
Variant type: single nucleotide variant.
Coding change: c.3086C>T on transcript NM_201384.3 (MANE Select); coding-DNA position 3086, C replaced by T.
Protein change: p.Ala1029Val; replaces alanine 1029 with valine.
Molecular consequence: missense variant.
Genome position (GRCh38, 1-based): chr8:143,929,277, G>A on the plus strand (C>T on the coding strand, the complement: PLEC is on the minus strand). VCF-style: chr8-143929277-G-A. GRCh37 (hg19) VCF-style: chr8-145003445-G-A.
Other names: c.3167C>T, p.Ala1056Val (NM_000445.5); c.3044C>T, p.Ala1015Val (NM_201378.4); c.3020C>T, p.Ala1007Val (NM_201379.3); c.3497C>T, p.Ala1166Val (NM_201380.4); c.2990C>T, p.Ala997Val (NM_201381.3); c.3086C>T, p.Ala1029Val (NM_201382.4); c.3098C>T, p.Ala1033Val (NM_201383.3); short protein forms A1033V, A997V, A1015V, A1166V, A1007V, A1029V, A1056V.
Identifiers: ClinVar variation 952738 (VCV000952738.32), dbSNP rs1554710595, ClinGen allele CA372569197.